The following is an entry in ClinVar:

NM_000098.3(CPT2):c.642_643del (p.Met214fs)

Gene: CPT2 (carnitine palmitoyltransferase 2; plus strand). Cytogenetic location: 1p32.3.
Variant type: Deletion.
Coding change: c.642_643del on transcript NM_000098.3 (MANE Select); coding-DNA positions 642 to 643, 2 bases deleted (GT; older notation c.642_643delGT).
Protein change: p.Met214fs; shifts the reading frame from methionine 214.
Molecular consequence: frameshift variant.
Genome position (GRCh38, 1-based): chr1:53,210,316-53,210,317, GT deleted; deleting any 2 consecutive bases within chr1:53,210,315-53,210,317 gives the same sequence; the c. name uses the placement nearest the transcript's 3' end. VCF-style (leftmost placement, unchanged base first): chr1-53210314-ATG-A. GRCh37 (hg19) VCF-style: chr1-53675986-ATG-A.
Other names: c.642_643del, p.Met214fs (NM_001330589.2); short protein forms M214fs.
Identifiers: ClinVar variation 3725183 (VCV003725183.3).

ClinVar aggregate classification (germline): Pathogenic. Review status: criteria provided, multiple submitters, no conflicts (2 of 4 stars). 2 submissions from 2 submitters: Pathogenic (2). Last evaluated 2025-07-23.

Conditions:
Carnitine palmitoyltransferase II deficiency. Also called: Carnitine Palmitoyltransferase 2 Deficiency. Identifiers: Orphanet 157, MedGen C0342790, MONDO:0015515.

Submissions (2):

Myriad Genetics, Inc.
Classification: Pathogenic for Carnitine palmitoyltransferase II deficiency. Last evaluated: 2025-07-23. Review status: criteria provided, single submitter. Criteria: Myriad Autosomal Dominant, Autosomal Recessive and X-Linked Classification Criteria (2023). Collection method: clinical testing. Allele origin: unknown.
Comment: NM_000098.2(CPT2):c.642_643delGT(M214Ifs*19) is a frameshift variant classified as pathogenic in the context of carnitine palmitoyltransferase II deficiency. M214Ifs*19 has not been observed in cases with relevant disease. Relevant functional assessments of this variant are not available in the literature. M214Ifs*19 has not been observed in referenced population frequency databases. In summary, NM_000098.2(CPT2):c.642_643delGT(M214Ifs*19) is a frameshift variant in a gene where loss of function is a known mechanism of disease and is predicted to disrupt protein function. Please note: this variant was assessed in the context of healthy population screening.

Labcorp Genetics (formerly Invitae), Labcorp
Classification: Pathogenic for Carnitine palmitoyltransferase II deficiency. Last evaluated: 2024-11-13. Review status: criteria provided, single submitter. Criteria: Invitae Variant Classification Sherloc (09022015). Collection method: clinical testing. Allele origin: germline.
Comment: This sequence change creates a premature translational stop signal (p.Met214Ilefs*19) in the CPT2 gene. It is expected to result in an absent or disrupted protein product. Loss-of-function variants in CPT2 are known to be pathogenic (PMID: 16781677, 16996287). This variant is not present in population databases (gnomAD no frequency). This variant has not been reported in the literature in individuals affected with CPT2-related conditions. For these reasons, this variant has been classified as Pathogenic.

Literature cited by the submitters: PubMed 16781677 (cited by Labcorp Genetics (formerly Invitae), Labcorp); PubMed 16996287 (cited by Labcorp Genetics (formerly Invitae), Labcorp).